The following is an entry in ClinVar:

ClinVar aggregate classification (germline): Uncertain significance. Review status: criteria provided, multiple submitters, no conflicts (2 of 4 stars). 2 submissions from 2 submitters: Uncertain significance (2). Last evaluated 2026-01-21.

Conditions:
Atrial fibrillation, familial, 11 (ATFB11). Identifiers: MedGen C3279693, MONDO:0013544, OMIM 614049.
Atrial standstill 1 (ATRST1). Also called: Atrial standstill, digenic (GJA5/SCN5A); ATRIAL CARDIOMYOPATHY WITH HEART BLOCK; CARDIOMYOPATHY, FAMILIAL, WITH CONDUCTION DISTURBANCE. Identifiers: Orphanet 1344, MedGen C4551959, MONDO:0007171, OMIM 108770.

Allele frequency attached by ClinVar (database versions not stated): gnomAD 0.00004; TOPMed 0.00005.
gnomAD v4.1: 82 of 1,613,926 alleles (0.0051%); highest among the groups gnomAD compares: African/African-American, 0.0067%; no homozygotes.

Submissions (2):

Labcorp Genetics (formerly Invitae), Labcorp
Classification: Uncertain significance for Atrial fibrillation, familial, 11; Atrial standstill 1. Last evaluated: 2026-01-21. Review status: criteria provided, single submitter. Criteria: Invitae Variant Classification Sherloc (09022015). Collection method: clinical testing. Allele origin: germline.
Comment: This sequence change replaces arginine, which is basic and polar, with tryptophan, which is neutral and slightly polar, at codon 242 of the GJA5 protein (p.Arg242Trp). This variant is present in population databases (rs782417838, gnomAD 0.02%). This variant has not been reported in the literature in individuals affected with GJA5-related conditions. ClinVar contains an entry for this variant (Variation ID: 1317266). Invitae Evidence Modeling of protein sequence and biophysical properties (such as structural, functional, and spatial information, amino acid conservation, physicochemical variation, residue mobility, and thermodynamic stability) indicates that this missense variant is not expected to disrupt GJA5 protein function with a negative predictive value of 80%. In summary, the available evidence is currently insufficient to determine the role of this variant in disease. Therefore, it has been classified as a Variant of Uncertain Significance.

GeneDx
Classification: Uncertain significance. Last evaluated: 2020-06-30. Review status: criteria provided, single submitter. Criteria: GeneDx Variant Classification Process June 2021. Collection method: clinical testing. Allele origin: germline. Affected: yes.
Comment: Has not been previously published as pathogenic or benign to our knowledge; In silico analysis supports that this missense variant does not alter protein structure/function

NM_181703.4(GJA5):c.724C>T (p.Arg242Trp)

Genes: GJA5 (gap junction protein alpha 5; minus strand), LOC122128420 (Sharpr-MPRA regulatory region 3144; plus strand). Cytogenetic location: 1q21.2.
Variant type: single nucleotide variant.
Coding change: c.724C>T on transcript NM_181703.4 (MANE Select); coding-DNA position 724, C replaced by T.
Protein change: p.Arg242Trp; replaces arginine 242 with tryptophan.
Molecular consequence: missense variant.
Genome position (GRCh38, 1-based): chr1:147,758,515, G>A on the plus strand (C>T on the coding strand, the complement: GJA5 is on the minus strand). VCF-style: chr1-147758515-G-A. GRCh37 (hg19) VCF-style: chr1-147230623-G-A.
Other names: c.724C>T, p.Arg242Trp (NM_005266.7); short protein forms R242W.
Identifiers: ClinVar variation 1317266 (VCV001317266.9), dbSNP rs782417838, ClinGen allele CA1065727.